The following is an entry in ClinVar:

NM_000553.6(WRN):c.2716A>G (p.Ser906Gly)

Gene: WRN (WRN RecQ like helicase; plus strand). Cytogenetic location: 8p12.
Variant type: single nucleotide variant.
Coding change: c.2716A>G on transcript NM_000553.6 (MANE Select); coding-DNA position 2716, A replaced by G.
Protein change: p.Ser906Gly; replaces serine 906 with glycine.
Molecular consequence: missense variant.
Genome position (GRCh38, 1-based): chr8:31,124,607, A>G. VCF-style: chr8-31124607-A-G. GRCh37 (hg19) VCF-style: chr8-30982123-A-G.
Other names: short protein forms S906G.
Identifiers: ClinVar variation 404000 (VCV000404000.11), dbSNP rs751795043, ClinGen allele CA4704820.

ClinVar aggregate classification (germline): Uncertain significance. Review status: criteria provided, multiple submitters, no conflicts (2 of 4 stars). 4 submissions from 4 submitters: Uncertain significance (4). Last evaluated 2025-08-28.

Conditions:
Inborn genetic diseases. Identifiers: MedGen C0950123, MeSH D030342.
Werner syndrome (WRN). Identifiers: Orphanet 902, MedGen C0043119, MONDO:0010196, OMIM 277700.

Allele frequency attached by ClinVar (database versions not stated): gnomAD exomes 0.00005 and 0.00004; TOPMed 0.00003; gnomAD 0.00004 and 0.00003; ExAC 0.00002.
gnomAD v4.1: 83 of 1,610,722 alleles (0.0052%); highest among the groups gnomAD compares: Admixed American, 0.013%; no homozygotes.

Submissions (4):

Ambry Genetics
Classification: Uncertain significance for Inborn genetic diseases. Last evaluated: 2025-08-28. Review status: criteria provided, single submitter. Criteria: Ambry Variant Classification Scheme 2023. Collection method: clinical testing. Allele origin: germline.

Dasa
Classification: Uncertain significance. Last evaluated: 2025-05-21. Review status: criteria provided, single submitter. Criteria: DASA Assertion Criteria. Collection method: clinical testing. Allele origin: germline.
Comment: NM_000553.6(WRN):c.2716A>G (p.Ser906Gly) is a missense variant that results in the substitution of serine with glycine. This variant is rare in population databases. Computational prediction algorithms are consistent with a benign effect. The currently available literature and clinical evidence are not sufficient to establish a definitive association between this variant and the reported condition. Therefore, this variant is classified as a variant of uncertain significance.

Labcorp Genetics (formerly Invitae), Labcorp
Classification: Uncertain significance for Werner syndrome. Last evaluated: 2025-01-23. Review status: criteria provided, single submitter. Criteria: Invitae Variant Classification Sherloc (09022015). Collection method: clinical testing. Allele origin: germline.
Comment: This sequence change replaces serine, which is neutral and polar, with glycine, which is neutral and non-polar, at codon 906 of the WRN protein (p.Ser906Gly). This variant is present in population databases (rs751795043, gnomAD 0.009%). This variant has not been reported in the literature in individuals affected with WRN-related conditions. ClinVar contains an entry for this variant (Variation ID: 404000). An algorithm developed to predict the effect of missense changes on protein structure and function (PolyPhen-2) suggests that this variant¬†is likely to be tolerated. In summary, the available evidence is currently insufficient to determine the role of this variant in disease. Therefore, it has been classified as a Variant of Uncertain Significance.

GeneDx
Classification: Uncertain significance. Last evaluated: 2022-08-16. Review status: criteria provided, single submitter. Criteria: GeneDx Variant Classification Process June 2021. Collection method: clinical testing. Allele origin: germline. Affected: yes.
Comment: In silico analysis supports that this missense variant does not alter protein structure/function; Has not been previously published as pathogenic or benign to our knowledge